The following is an entry in ClinVar:

NM_001330288.2(SMARCC2):c.2022C>A (p.Pro674=)

Gene: SMARCC2 (SWI/SNF related BAF chromatin remodeling complex subunit C2; minus strand). Cytogenetic location: 12q13.2.
Variant type: single nucleotide variant.
Coding change: c.2022C>A on transcript NM_001330288.2 (MANE Select); coding-DNA position 2022, C replaced by A.
Protein change: p.Pro674=; no amino-acid change (proline 674 retained).
Molecular consequence: synonymous variant.
Genome position (GRCh38, 1-based): chr12:56,171,842, G>T on the plus strand (C>A on the coding strand, the complement: SMARCC2 is on the minus strand). VCF-style: chr12-56171842-G-T. GRCh37 (hg19) VCF-style: chr12-56565626-G-T.
Other names: c.2022C>A, p.Pro674= (NM_001130420.3, NM_139067.4); c.1929C>A, p.Pro643= (NM_003075.5).
Identifiers: ClinVar variation 2643077 (VCV002643077.24), dbSNP rs2540882656, ClinGen allele CA480196829.

ClinVar aggregate classification (germline): Likely benign (1 of 4 stars; one submission).

Submission:

CeGaT Center for Human Genetics Tuebingen
Classification: Likely benign. Last evaluated: 2023-03-01. Review status: criteria provided, single submitter. Criteria: CeGaT Center For Human Genetics Tuebingen Variant Classification Criteria Version 2. Collection method: clinical testing. Allele origin: germline. Affected: yes. Observed: 1 variant allele.
Comment: SMARCC2: PM2:Supporting, BP4, BP7